The following is an entry in ClinVar:

ClinVar aggregate classification (germline): Uncertain significance (1 of 4 stars; one submission).

Allele frequency attached by ClinVar (database versions not stated): ExAC 0.00003; TOPMed 0.00004; gnomAD 0.00005; 1000 Genomes Project 30x 0.00016; 1000 Genomes Project 0.00020.
gnomAD v4.1: 126 of 1,614,094 alleles (0.0078%); highest among the groups gnomAD compares: South Asian, 0.022%; no homozygotes.

Submission:

Labcorp Genetics (formerly Invitae), Labcorp
Classification: Uncertain significance. Last evaluated: 2023-03-20. Review status: criteria provided, single submitter. Criteria: Invitae Variant Classification Sherloc (09022015). Collection method: clinical testing. Allele origin: germline.
Comment: In summary, the available evidence is currently insufficient to determine the role of this variant in disease. Therefore, it has been classified as a Variant of Uncertain Significance. Algorithms developed to predict the effect of missense changes on protein structure and function output the following: SIFT: "Not Available"; PolyPhen-2: "Benign"; Align-GVGD: "Not Available". The methionine amino acid residue is found in multiple mammalian species, which suggests that this missense change does not adversely affect protein function. This variant has not been reported in the literature in individuals affected with SH3PXD2B-related conditions. This variant is present in population databases (rs538635661, gnomAD 0.01%). This sequence change replaces threonine, which is neutral and polar, with methionine, which is neutral and non-polar, at codon 459 of the SH3PXD2B protein (p.Thr459Met).

NM_001017995.3(SH3PXD2B):c.1376C>T (p.Thr459Met)

Gene: SH3PXD2B (SH3 and PX domains 2B; minus strand). Cytogenetic location: 5q35.1.
Variant type: single nucleotide variant.
Coding change: c.1376C>T on transcript NM_001017995.3 (MANE Select); coding-DNA position 1376, C replaced by T.
Protein change: p.Thr459Met; replaces threonine 459 with methionine.
Molecular consequence: missense variant. On other transcripts: intron variant (1).
Genome position (GRCh38, 1-based): chr5:172,339,729, G>A on the plus strand (C>T on the coding strand, the complement: SH3PXD2B is on the minus strand). VCF-style: chr5-172339729-G-A. GRCh37 (hg19) VCF-style: chr5-171766733-G-A.
Other names: c.1188+6407C>T (NM_001308175.2); short protein forms T459M.
Identifiers: ClinVar variation 2900970 (VCV002900970.1), dbSNP rs538635661, ClinGen allele CA3561203.